The following is an entry in ClinVar:

NM_001375567.1(FOCAD):c.2626-4A>G

Gene: FOCAD (focadhesin; plus strand). Cytogenetic location: 9p21.3.
Variant type: single nucleotide variant.
Coding change: c.2626-4A>G on transcript NM_001375567.1 (MANE Select); 4 bases into the intron before coding-DNA position 2626, A replaced by G.
Molecular consequence: intron variant.
Genome position (GRCh38, 1-based): chr9:20,907,146, A>G. VCF-style: chr9-20907146-A-G. GRCh37 (hg19) VCF-style: chr9-20907145-A-G.
Other names: c.2626-4A>G (NM_017794.5); c.2521-4A>G (NM_001375568.1, NM_001375570.1).
Identifiers: ClinVar variation 3054865 (VCV003054865.4), dbSNP rs375589881, ClinGen allele CA5007200.

ClinVar aggregate classification (germline): Likely benign. Review status: criteria provided, single submitter (1 of 4 stars). 2 submissions from 2 submitters: Likely benign (1). 1 of the submissions does not count toward it. Last evaluated 2024-10-15.

Conditions:
FOCAD-related disorder. Also called: FOCAD-related condition.

Allele frequency attached by ClinVar (database versions not stated): gnomAD exomes 0.00003; ExAC 0.00019; 1000 Genomes Project 0.00020; 1000 Genomes Project 30x 0.00031; gnomAD 0.00044; TOPMed 0.00058; ESP Exome Variant Server 0.00077.
gnomAD v4.1: 114 of 1,611,210 alleles (0.0071%); highest among the groups gnomAD compares: African/African-American, 0.14%; 1 homozygote.

Submissions (2):

Labcorp Genetics (formerly Invitae), Labcorp
Classification: Likely benign. Last evaluated: 2024-10-15. Review status: criteria provided, single submitter. Criteria: Invitae Variant Classification Sherloc (09022015). Collection method: clinical testing. Allele origin: germline.

PreventionGenetics, part of Exact Sciences
Classification: Likely benign for FOCAD-related condition. Last evaluated: 2022-08-09. Review status: no assertion criteria provided. Collection method: clinical testing. Allele origin: germline. Not counted in ClinVar's aggregate classification.
Comment: This variant is classified as likely benign based on ACMG/AMP sequence variant interpretation guidelines (Richards et al. 2015 PMID: 25741868, with internal and published modifications).